The following is an entry in ClinVar:

ClinVar aggregate classification (germline): Likely pathogenic (1 of 4 stars; one submission).

Conditions:
Familial cancer of breast. Also called: hereditary breast carcinoma; BREAST CANCER, FAMILIAL; Hereditary breast cancer. Identifiers: Orphanet 227535, MedGen C0346153, MONDO:0016419, OMIM 114480. Disease mechanism: loss of function.

Submission:

Myriad Genetics, Inc.
Classification: Likely pathogenic for Familial cancer of breast. Last evaluated: 2024-01-31. Review status: criteria provided, single submitter. Criteria: Myriad Autosomal Dominant, Autosomal Recessive and X-Linked Classification Criteria (2023). Collection method: clinical testing. Allele origin: unknown.
Comment: This variant is considered likely pathogenic. This variant occurs within a consensus splice junction and is predicted to result in abnormal mRNA splicing of either an out-of-frame exon or an in-frame exon necessary for protein stability and/or normal function.

NM_000051.4(ATM):c.7629_7629+1delinsA

Genes: ATM (ATM serine/threonine kinase; plus strand), C11orf65 (chromosome 11 open reading frame 65; minus strand). Cytogenetic location: 11q22.3.
Variant type: Indel.
Coding change: c.7629_7629+1delinsA on transcript NM_000051.4 (MANE Select); coding-DNA position 7629 through the canonical splice donor site of the intron after coding-DNA position 7629, TG replaced by A.
Molecular consequence: splice donor variant. On other transcripts: non-coding transcript variant (1), intron variant (2).
Genome position (GRCh38, 1-based): chr11:108,331,557-108,331,558, TG replaced by A. VCF-style: chr11-108331557-TG-A. GRCh37 (hg19) VCF-style: chr11-108202284-TG-A.
Other names: c.7629_7629+1delinsA (NM_001351834.2); c.641-22487_641-22486delinsT (NM_001330368.2); c.*38+3662_*38+3663delinsT (NM_001351110.2).
Identifiers: ClinVar variation 3148303 (VCV003148303.1), dbSNP rs2547275828, ClinGen allele CA2825001962.
Genomic context (GRCh38, chr11:108,331,557, plus strand): 5'-GGCTGCTAGAATGGGGACCAAGATGATGGGAGGCCTAGGATTTCATGAAGTCCTCAATAA[TG>A]TAAGTAAACCTGAAAATCAAACCACAATAATTATTTTTATTCTATTATTACTATATATTA-3'